The following is an entry in ClinVar:

NM_006914.4(RORB):c.197G>A (p.Arg66Gln)

Gene: RORB (RAR related orphan receptor B; plus strand). Cytogenetic location: 9q21.13.
Variant type: single nucleotide variant.
Coding change: c.197G>A on transcript NM_006914.4 (MANE Select); coding-DNA position 197, G replaced by A.
Protein change: p.Arg66Gln; replaces arginine 66 with glutamine.
Molecular consequence: missense variant.
Genome position (GRCh38, 1-based): chr9:74,634,734, G>A. VCF-style: chr9-74634734-G-A. GRCh37 (hg19) VCF-style: chr9-77249650-G-A.
Other names: c.230G>A, p.Arg77Gln (NM_001365023.1); short protein forms R77Q, R66Q.
Identifiers: ClinVar variation 1370911 (VCV001370911.13), dbSNP rs756765022, ClinGen allele CA193857376.
Genomic context (GRCh38, chr9:74,634,734, plus strand): 5'-GCCCAAGGCAGAGAAACTGTTTAATTGACAGAACGAACAGAAACCGTTGCCAACACTGCC[G>A]ACTGCAGAAGTGTCTTGCCCTAGGAATGTCAAGAGATGGTAAGACATTACCTTCCTGTTT-3'
Protein context (NP_008845.2, residues 56-76): RTNRNRCQHC[Arg66Gln]LQKCLALGMS

ClinVar aggregate classification (germline): Conflicting classifications of pathogenicity. Review status: criteria provided, conflicting classifications (1 of 4 stars). 3 submissions from 3 submitters: Likely pathogenic (1); Uncertain significance (2). Last evaluated 2026-04-28.

Conditions:
Inborn genetic diseases. Identifiers: MedGen C0950123, MeSH D030342.

Submissions (3):

GeneDx
Classification: Uncertain significance. Last evaluated: 2026-04-28. Review status: criteria provided, single submitter. Criteria: GeneDx Variant Classification Process June 2021. Collection method: clinical testing. Allele origin: germline.
Comment: Not observed at significant frequency in large population cohorts (gnomAD); In silico analysis supports that this missense variant has a deleterious effect on protein structure/function; Has not been previously published as pathogenic or benign to our knowledge.

Ambry Genetics
Classification: Likely pathogenic for Inborn genetic diseases. Last evaluated: 2026-02-24. Review status: criteria provided, single submitter. Criteria: Ambry Variant Classification Scheme 2023. Collection method: clinical testing. Allele origin: germline.
Comment: The c.197G>A (p.R66Q) alteration is located in exon 3 (coding exon 3) of the RORB gene. This alteration results from a G to A substitution at nucleotide position 197, causing the arginine (R) at amino acid position 66 to be replaced by a glutamine (Q). This variant was not reported in population-based cohorts in the Genome Aggregation Database (gnomAD). This variant was reported as de novo in an individual with features consistent with RORB-related neurodevelopmental disorder (external communication). This amino acid position is highly conserved in available vertebrate species. This missense alteration is located in a region that has a low rate of benign missense variation (Lek, 2016; Firth, 2009). This alteration is predicted to be deleterious by in silico analysis. Based on the available evidence, this alteration is classified as likely pathogenic.

Labcorp Genetics (formerly Invitae), Labcorp
Classification: Uncertain significance. Last evaluated: 2024-02-18. Review status: criteria provided, single submitter. Criteria: Invitae Variant Classification Sherloc (09022015). Collection method: clinical testing. Allele origin: germline.
Comment: This sequence change replaces arginine, which is basic and polar, with glutamine, which is neutral and polar, at codon 66 of the RORB protein (p.Arg66Gln). This variant is not present in population databases (gnomAD no frequency). This variant has not been reported in the literature in individuals affected with RORB-related conditions. ClinVar contains an entry for this variant (Variation ID: 1370911). An algorithm developed to predict the effect of missense changes on protein structure and function (PolyPhen-2) suggests that this variant is likely to be disruptive. In summary, the available evidence is currently insufficient to determine the role of this variant in disease. Therefore, it has been classified as a Variant of Uncertain Significance.